The following is an entry in ClinVar:

NM_000520.6(HEXA):c.459+1G>A

Gene: HEXA (hexosaminidase subunit alpha; minus strand). Cytogenetic location: 15q23.
Variant type: single nucleotide variant.
Coding change: c.459+1G>A on transcript NM_000520.6 (MANE Select); the canonical splice donor site of the intron after coding-DNA position 459, G replaced by A.
Molecular consequence: splice donor variant.
Genome position (GRCh38, 1-based): chr15:72,353,690, C>T on the plus strand (G>A on the coding strand, the complement: HEXA is on the minus strand). VCF-style: chr15-72353690-C-T. GRCh37 (hg19) VCF-style: chr15-72646031-C-T.
Other names: c.492+1G>A (NM_001318825.2); c.459+1G>A (NM_000520.5).
Identifiers: ClinVar variation 1496778 (VCV001496778.7), dbSNP rs2140326761, ClinGen allele CA393065425.

ClinVar aggregate classification (germline): Likely pathogenic. Review status: criteria provided, multiple submitters, no conflicts (2 of 4 stars). 2 submissions from 2 submitters: Likely pathogenic (2). Last evaluated 2025-07-30.

Conditions:
Tay-Sachs disease (TSD). Also called: HEXA DEFICIENCY; GM2 gangliosidosis, type 1; Hexosaminidase alpha-subunit deficiency (variant B); Sphingolipidosis, Tay-Sachs; Hexosaminidase A Deficiency; HEXA Disorders. Identifiers: Orphanet 845, MedGen C0039373, MONDO:0010100, OMIM 272800.

Submissions (2):

Labcorp Genetics (formerly Invitae), Labcorp
Classification: Likely pathogenic for Tay-Sachs disease. Last evaluated: 2025-07-30. Review status: criteria provided, single submitter. Criteria: Invitae Variant Classification Sherloc (09022015). Collection method: clinical testing. Allele origin: germline.
Comment: This sequence change affects a donor splice site in intron 4 of the HEXA gene. It is expected to disrupt RNA splicing. Variants that disrupt the donor or acceptor splice site typically lead to a loss of protein function (PMID: 16199547), and loss-of-function variants in HEXA are known to be pathogenic (PMID: 1833974, 8490625). This variant is not present in population databases (gnomAD no frequency). This variant has not been reported in the literature in individuals affected with HEXA-related conditions. ClinVar contains an entry for this variant (Variation ID: 1496778). Algorithms developed to predict the effect of sequence changes on RNA splicing suggest that this variant may disrupt the consensus splice site. In summary, the currently available evidence indicates that the variant is pathogenic, but additional data are needed to prove that conclusively. Therefore, this variant has been classified as Likely Pathogenic.

Natera, Inc.
Classification: Likely pathogenic for Tay-Sachs disease. Last evaluated: 2025-07-29. Review status: criteria provided, single submitter. Criteria: Natera Variant Classification Schema (03/2026). Collection method: clinical testing. Allele origin: germline.
Comment: The c.459+1G>A variant in HEXA is a canonical splice donor site variant predicted to affect pre-mRNA splicing, which may result in an abnormal transcript and altered protein product. This variant is expected to result in nonsense mediated decay, truncation, or a dysfunctional protein product. This variant is rare in the general population with a frequency below the threshold expected for the associated phenotype(s). Given the available evidence, this variant is classified as Likely Pathogenic.

Literature cited by the submitters: PubMed 16199547 (cited by Labcorp Genetics (formerly Invitae), Labcorp); PubMed 1833974 (cited by Labcorp Genetics (formerly Invitae), Labcorp); PubMed 8490625 (cited by Labcorp Genetics (formerly Invitae), Labcorp).